The following is an entry in ClinVar:

NM_020919.4(ALS2):c.1049G>A (p.Arg350Gln)

Gene: ALS2 (alsin Rho guanine nucleotide exchange factor ALS2; minus strand). Cytogenetic location: 2q33.1.
Variant type: single nucleotide variant.
Coding change: c.1049G>A on transcript NM_020919.4 (MANE Select); coding-DNA position 1049, G replaced by A.
Protein change: p.Arg350Gln; replaces arginine 350 with glutamine.
Molecular consequence: missense variant.
Genome position (GRCh38, 1-based): chr2:201,760,945, C>T on the plus strand (G>A on the coding strand, the complement: ALS2 is on the minus strand). VCF-style: chr2-201760945-C-T. GRCh37 (hg19) VCF-style: chr2-202625668-C-T.
Other names: p.Arg350Gln; c.1049G>A, p.Arg350Gln (NM_001135745.2); short protein forms R350Q.
Identifiers: ClinVar variation 1693857 (VCV001693857.9), dbSNP rs763352024, ClinGen allele CA2058554.

ClinVar aggregate classification (germline): Conflicting classifications of pathogenicity. Review status: criteria provided, conflicting classifications (1 of 4 stars). 3 submissions from 3 submitters: Uncertain significance (2); Likely benign (1). Last evaluated 2023-12-06.

Conditions:
Inborn genetic diseases. Identifiers: MedGen C0950123, MeSH D030342.
Infantile-onset ascending hereditary spastic paralysis (IAHSP). Also called: Autosomal Recessive Juvenile Amyotrophic Lateral Sclerosis; Infantile-Onset Ascending Hereditary Spastic Paralysis (IAHSP). Identifiers: Orphanet 293168, MedGen C2931441, MONDO:0011797, OMIM 607225. Disease mechanism: loss of function.

Allele frequency attached by ClinVar (database versions not stated): ExAC 0.00001; gnomAD 0.00001; TOPMed 0.00001; gnomAD exomes 0.00002.
gnomAD v4.1: 30 of 1,614,000 alleles (0.0019%); highest among the groups gnomAD compares: Non-Finnish European, 0.0024%; no homozygotes.

Submissions (3):

Labcorp Genetics (formerly Invitae), Labcorp
Classification: Uncertain significance for Infantile-onset ascending hereditary spastic paralysis. Last evaluated: 2023-12-06. Review status: criteria provided, single submitter. Criteria: Invitae Variant Classification Sherloc (09022015). Collection method: clinical testing. Allele origin: germline.
Comment: This sequence change replaces arginine, which is basic and polar, with glutamine, which is neutral and polar, at codon 350 of the ALS2 protein (p.Arg350Gln). This variant is present in population databases (rs763352024, gnomAD 0.003%). This variant has not been reported in the literature in individuals affected with ALS2-related conditions. ClinVar contains an entry for this variant (Variation ID: 1693857). Advanced modeling of protein sequence and biophysical properties (such as structural, functional, and spatial information, amino acid conservation, physicochemical variation, residue mobility, and thermodynamic stability) performed at Invitae indicates that this missense variant is not expected to disrupt ALS2 protein function with a negative predictive value of 80%. In summary, the available evidence is currently insufficient to determine the role of this variant in disease. Therefore, it has been classified as a Variant of Uncertain Significance.

Ambry Genetics
Classification: Likely benign for Inborn genetic diseases. Last evaluated: 2022-11-19. Review status: criteria provided, single submitter. Criteria: Ambry Variant Classification Scheme 2023. Collection method: clinical testing. Allele origin: germline.

Mayo Clinic Laboratories, Mayo Clinic
Classification: Uncertain significance. Last evaluated: 2021-05-12. Review status: criteria provided, single submitter. Criteria: ACMG Guidelines, 2015. Collection method: clinical testing. Allele origin: germline.